The following is an entry in ClinVar:

ClinVar aggregate classification (germline): Uncertain significance (1 of 4 stars; one submission).

Conditions:
Gastrointestinal stromal tumor. Also called: Gastrointestinal stroma tumor; Gastrointestinal stromal tumor, somatic. Identifiers: Orphanet 44890, MedGen C0238198, MeSH D046152, MONDO:0011719, OMIM 606764, HP:0100723.

Allele frequency attached by ClinVar (database versions not stated): gnomAD exomes below 0.00001.
gnomAD v4.1: 5 of 1,608,472 alleles (0.00031%); highest among the groups gnomAD compares: Non-Finnish European, 0.00043%; no homozygotes.

Submission:

Labcorp Genetics (formerly Invitae), Labcorp
Classification: Uncertain significance for Gastrointestinal stromal tumor. Last evaluated: 2022-04-07. Review status: criteria provided, single submitter. Criteria: Invitae Variant Classification Sherloc (09022015). Collection method: clinical testing. Allele origin: germline.
Comment: This sequence change falls in intron 16 of the PDGFRA gene. It does not directly change the encoded amino acid sequence of the PDGFRA protein. It affects a nucleotide within the consensus splice site. This variant is not present in population databases (gnomAD no frequency). This variant has not been reported in the literature in individuals affected with PDGFRA-related conditions. Variants that disrupt the consensus splice site are a relatively common cause of aberrant splicing (PMID: 17576681, 9536098). Algorithms developed to predict the effect of sequence changes on RNA splicing suggest that this variant is not likely to affect RNA splicing. In summary, the available evidence is currently insufficient to determine the role of this variant in disease. Therefore, it has been classified as a Variant of Uncertain Significance.

Literature cited by the submitters: PubMed 17576681; PubMed 9536098.

NM_006206.6(PDGFRA):c.2323+6A>C

Gene: PDGFRA (platelet derived growth factor receptor alpha; plus strand). Cytogenetic location: 4q12.
Variant type: single nucleotide variant.
Coding change: c.2323+6A>C on transcript NM_006206.6 (MANE Select); 6 bases into the intron after coding-DNA position 2323, A replaced by C.
Molecular consequence: intron variant.
Genome position (GRCh38, 1-based): chr4:54,280,488, A>C. VCF-style: chr4-54280488-A-C. GRCh37 (hg19) VCF-style: chr4-55146655-A-C.
Other names: c.2398+6A>C (NM_001347828.2); c.2323+6A>C (NM_001347827.2, NM_001347829.2); c.2362+6A>C (NM_001347830.2).
Identifiers: ClinVar variation 2122376 (VCV002122376.4), dbSNP rs2110325307, ClinGen allele CA2580071093.